The following is an entry in ClinVar:

ClinVar aggregate classification (germline): Uncertain significance (1 of 4 stars; one submission).

Conditions:
Alagille syndrome due to a JAG1 point mutation. Also called: HEPATIC DUCTULAR HYPOPLASIA, SYNDROMATIC; Alagille Syndrome 1; JAG1-Related Alagille Syndrome. Identifiers: Orphanet 261619, Orphanet 52, MedGen C1956125, MONDO:0016862, OMIM 118450.

Allele frequency attached by ClinVar (database versions not stated): gnomAD exomes below 0.00001; ExAC 0.00001.
gnomAD v4.1: 3 of 1,610,510 alleles (0.00019%); highest among the groups gnomAD compares: Middle Eastern, 0.017%; no homozygotes.

Submission:

Labcorp Genetics (formerly Invitae), Labcorp
Classification: Uncertain significance for Alagille syndrome due to a JAG1 point mutation. Last evaluated: 2024-07-12. Review status: criteria provided, single submitter. Criteria: Invitae Variant Classification Sherloc (09022015). Collection method: clinical testing. Allele origin: germline.
Comment: This sequence change falls in intron 17 of the JAG1 gene. It does not directly change the encoded amino acid sequence of the JAG1 protein. This variant is not present in population databases (gnomAD no frequency). This variant has not been reported in the literature in individuals affected with JAG1-related conditions. Algorithms developed to predict the effect of sequence changes on RNA splicing suggest that this variant may disrupt the consensus splice site. In summary, the available evidence is currently insufficient to determine the role of this variant in disease. Therefore, it has been classified as a Variant of Uncertain Significance.

NM_000214.3(JAG1):c.2228-6T>C

Gene: JAG1 (jagged canonical Notch ligand 1; minus strand). Cytogenetic location: 20p12.2.
Variant type: single nucleotide variant.
Coding change: c.2228-6T>C on transcript NM_000214.3 (MANE Select); 6 bases into the intron before coding-DNA position 2228, T replaced by C.
Molecular consequence: intron variant.
Genome position (GRCh38, 1-based): chr20:10,644,985, A>G on the plus strand (T>C on the coding strand, the complement: JAG1 is on the minus strand). VCF-style: chr20-10644985-A-G. GRCh37 (hg19) VCF-style: chr20-10625633-A-G.
Identifiers: ClinVar variation 3016165 (VCV003016165.3), dbSNP rs755337222, ClinGen allele CA9764577.